The following is an entry in ClinVar:

ClinVar aggregate classification (germline): Uncertain significance (1 of 4 stars; one submission).

Allele frequency attached by ClinVar (database versions not stated): gnomAD 0.00002; TOPMed 0.00002; gnomAD exomes 0.00006 and 0.00013; ExAC 0.00012.
gnomAD v4.1: 99 of 1,613,956 alleles (0.0061%); highest among the groups gnomAD compares: South Asian, 0.1%; no homozygotes.

Submission:

Labcorp Genetics (formerly Invitae), Labcorp
Classification: Uncertain significance. Last evaluated: 2021-10-15. Review status: criteria provided, single submitter. Criteria: Invitae Variant Classification Sherloc (09022015). Collection method: clinical testing. Allele origin: germline.
Comment: This sequence change replaces glutamine with lysine at codon 61 of the C17orf62 protein (p.Gln61Lys). The glutamine residue is highly conserved and there is a small physicochemical difference between glutamine and lysine. This variant is present in population databases (rs769836121, ExAC 0.09%). This variant has not been reported in the literature in individuals affected with C17orf62-related conditions. Algorithms developed to predict the effect of missense changes on protein structure and function (SIFT, PolyPhen-2, Align-GVGD) all suggest that this variant is likely to be disruptive. In summary, the available evidence is currently insufficient to determine the role of this variant in disease. Therefore, it has been classified as a Variant of Uncertain Significance.

NM_001033046.4(CYBC1):c.181C>A (p.Gln61Lys)

Gene: CYBC1 (cytochrome b-245 chaperone 1; minus strand). Cytogenetic location: 17q25.3.
Variant type: single nucleotide variant.
Coding change: c.181C>A on transcript NM_001033046.4 (MANE Select); coding-DNA position 181, C replaced by A.
Protein change: p.Gln61Lys; replaces glutamine 61 with lysine.
Molecular consequence: missense variant. On other transcripts: non-coding transcript variant (2).
Genome position (GRCh38, 1-based): chr17:82,446,643, G>T on the plus strand (C>A on the coding strand, the complement: CYBC1 is on the minus strand). VCF-style: chr17-82446643-G-T. GRCh37 (hg19) VCF-style: chr17-80404519-G-T.
Other names: c.181C>A, p.Gln61Lys (NM_001100407.3, NM_001193653.2, NM_001193654.2 and 2 more transcripts); c.139C>A, p.Gln47Lys (NM_001100408.3); short protein forms Q47K, Q61K.
Identifiers: ClinVar variation 1682725 (VCV001682725.3), dbSNP rs769836121, ClinGen allele CA8858337.